The following is an entry in ClinVar:

NM_001244008.2(KIF1A):c.1294C>A (p.Arg432Ser)

Gene: KIF1A (kinesin family member 1A; minus strand). Cytogenetic location: 2q37.3.
Variant type: single nucleotide variant.
Coding change: c.1294C>A on transcript NM_001244008.2 (MANE Select); coding-DNA position 1294, C replaced by A.
Protein change: p.Arg432Ser; replaces arginine 432 with serine.
Molecular consequence: missense variant.
Genome position (GRCh38, 1-based): chr2:240,771,018, G>T on the plus strand (C>A on the coding strand, the complement: KIF1A is on the minus strand). VCF-style: chr2-240771018-G-T. GRCh37 (hg19) VCF-style: chr2-241710435-G-T.
Other names: c.1294C>A, p.Arg432Ser (NM_001320705.2, NM_001330289.2, NM_001379638.1); c.1369C>A, p.Arg457Ser (NM_001330290.2, NM_001379631.1, NM_001379634.1 and 2 more transcripts); c.1267C>A, p.Arg423Ser (NM_001379632.1, NM_001379633.1, NM_001379636.1 and 10 more transcripts); c.1342C>A, p.Arg448Ser (NM_001379637.1, NM_001379648.1); short protein forms R423S, R432S, R448S, R457S.
Identifiers: ClinVar variation 1684837 (VCV001684837.2), dbSNP rs763524814, ClinGen allele CA351330500.

ClinVar aggregate classification (germline): Uncertain significance. Review status: criteria provided, multiple submitters, no conflicts (2 of 4 stars). 2 submissions from 2 submitters: Uncertain significance (2). Last evaluated 2026-08-06.

Submissions (2):

OLLIN Analises Genomicas, OLLIN
Classification: Uncertain significance. Last evaluated: 2026-08-06. Review status: criteria provided, single submitter. Criteria: ACMG Guidelines 2015 PMID 25741868. Collection method: clinical testing. Allele origin: germline.
Comment: This missense variant, located in exon 15 (of 49), is absent from gnomAD and has not been identified in the literature. However, it has been reported in ClinVar (accession VCV002944902.3). In silico analysis is inconclusive regarding the impact of this variant. This gene is constrained for missense variation. According to the currently available evidence, this variant has been classified as uncertain significance (PM2_P, PP2).

Mendelics
Classification: Uncertain significance. Last evaluated: 2022-05-04. Review status: criteria provided, single submitter. Criteria: Mendelics Assertion Criteria 2019. Collection method: clinical testing. Allele origin: germline.